The following is an entry in ClinVar:

NM_001079872.2(CUL4B):c.1880T>G (p.Leu627Arg)

Gene: CUL4B (cullin 4B; minus strand). Cytogenetic location: Xq24.
Variant type: single nucleotide variant.
Coding change: c.1880T>G on transcript NM_001079872.2 (MANE Select); coding-DNA position 1880, T replaced by G.
Protein change: p.Leu627Arg; replaces leucine 627 with arginine.
Molecular consequence: missense variant.
Genome position (GRCh38, 1-based): chrX:120,538,182, A>C on the plus strand (T>G on the coding strand, the complement: CUL4B is on the minus strand). VCF-style: chrX-120538182-A-C. GRCh37 (hg19) VCF-style: chrX-119672037-A-C.
Other names: c.1895T>G, p.Leu632Arg (NM_001330624.2); c.1346T>G, p.Leu449Arg (NM_001369145.1); c.1934T>G, p.Leu645Arg (NM_003588.4); short protein forms L632R, L449R, L627R, L645R.
Identifiers: ClinVar variation 4991475 (VCV004991475.1).

ClinVar aggregate classification (germline): Uncertain significance (1 of 4 stars; one submission).

Conditions:
CUL4B-related disorder. Also called: CUL4B-related condition.

Submission:

PreventionGenetics, part of Exact Sciences
Classification: Uncertain significance for CUL4B-related condition. Last evaluated: 2026-05-13. Review status: criteria provided, single submitter. Criteria: ACMG Guidelines, 2015. Collection method: clinical testing. Allele origin: germline.
Comment: The CUL4B c.1934T>G variant is predicted to result in the amino acid substitution p.Leu645Arg. To our knowledge, this variant has not been reported in the literature or in a large population database (gnomAD), indicating this variant is rare. At this time, the clinical significance of this variant is uncertain due to the absence of conclusive functional and genetic evidence.